The following is an entry in ClinVar:

ClinVar aggregate classification (germline): Likely pathogenic (1 of 4 stars; one submission).

Submission:

Labcorp Genetics (formerly Invitae), Labcorp
Classification: Likely pathogenic. Last evaluated: 2024-01-25. Review status: criteria provided, single submitter. Criteria: Invitae Variant Classification Sherloc (09022015). Collection method: clinical testing. Allele origin: germline.
Comment: This sequence change affects a donor splice site in intron 11 of the SLC34A3 gene. It is expected to disrupt RNA splicing. Variants that disrupt the donor or acceptor splice site typically lead to a loss of protein function (PMID: 16199547), and loss-of-function variants in SLC34A3 are known to be pathogenic (PMID: 16358214, 16358215, 22159077). This variant is not present in population databases (gnomAD no frequency). This variant has not been reported in the literature in individuals affected with SLC34A3-related conditions. Algorithms developed to predict the effect of sequence changes on RNA splicing suggest that this variant may disrupt the consensus splice site. In summary, the currently available evidence indicates that the variant is pathogenic, but additional data are needed to prove that conclusively. Therefore, this variant has been classified as Likely Pathogenic.

Literature cited by the submitters: PubMed 16199547; PubMed 16358214; PubMed 16358215; PubMed 22159077.

NM_001177316.2(SLC34A3):c.1210+2T>C

Gene: SLC34A3 (solute carrier family 34 member 3; plus strand). Cytogenetic location: 9q34.3.
Variant type: single nucleotide variant.
Coding change: c.1210+2T>C on transcript NM_001177316.2 (MANE Select); the canonical splice donor site of the intron after coding-DNA position 1210, T replaced by C.
Molecular consequence: splice donor variant.
Genome position (GRCh38, 1-based): chr9:137,234,534, T>C. VCF-style: chr9-137234534-T-C. GRCh37 (hg19) VCF-style: chr9-140128986-T-C.
Other names: c.1210+2T>C (NM_080877.3, NM_001177317.2).
Identifiers: ClinVar variation 2991115 (VCV002991115.3), dbSNP rs765502145, ClinGen allele CA375737667.